The following is an entry in ClinVar:

ClinVar aggregate classification (germline): Uncertain significance. Review status: criteria provided, multiple submitters, no conflicts (2 of 4 stars). 2 submissions from 2 submitters: Uncertain significance (2). Last evaluated 2026-01-05.

Conditions:
Joubert syndrome. Also called: CEREBELLOPARENCHYMAL DISORDER IV; JOUBERT-BOLTSHAUSER SYNDROME; Familial aplasia of the vermis. Identifiers: Orphanet 475, MedGen C5979921, MONDO:0018772.
Meckel-Gruber syndrome. Also called: DYSENCEPHALIA SPLANCHNOCYSTICA; GRUBER SYNDROME; Dysencephalia splachnocystica. Identifiers: Orphanet 564, MedGen C0265215, MONDO:0018921.

Allele frequency attached by ClinVar (database versions not stated): ExAC 0.00001; gnomAD exomes 0.00002; gnomAD 0.00003; TOPMed 0.00004.

Submissions (2):

Labcorp Genetics (formerly Invitae), Labcorp
Classification: Uncertain significance for Joubert syndrome; Meckel-Gruber syndrome. Last evaluated: 2026-01-05. Review status: criteria provided, single submitter. Criteria: Invitae Variant Classification Sherloc (09022015). Collection method: clinical testing. Allele origin: germline.
Comment: This sequence change replaces arginine, which is basic and polar, with cysteine, which is neutral and slightly polar, at codon 88 of the B9D2 protein (p.Arg88Cys). This variant is present in population databases (rs781608263, gnomAD 0.005%). This variant has not been reported in the literature in individuals affected with B9D2-related conditions. ClinVar contains an entry for this variant (Variation ID: 1350607). An algorithm developed to predict the effect of missense changes on protein structure and function (PolyPhen-2) suggests that this variant is likely to be disruptive. In summary, the available evidence is currently insufficient to determine the role of this variant in disease. Therefore, it has been classified as a Variant of Uncertain Significance.

Ambry Genetics
Classification: Uncertain significance. Last evaluated: 2025-08-19. Review status: criteria provided, single submitter. Criteria: Ambry Variant Classification Scheme 2023. Collection method: clinical testing. Allele origin: germline.

NM_030578.4(B9D2):c.262C>T (p.Arg88Cys)

Gene: B9D2 (B9 domain containing 2; minus strand). Cytogenetic location: 19q13.2.
Variant type: single nucleotide variant.
Coding change: c.262C>T on transcript NM_030578.4 (MANE Select); coding-DNA position 262, C replaced by T.
Protein change: p.Arg88Cys; replaces arginine 88 with cysteine.
Molecular consequence: missense variant.
Genome position (GRCh38, 1-based): chr19:41,354,966, G>A on the plus strand (C>T on the coding strand, the complement: B9D2 is on the minus strand). VCF-style: chr19-41354966-G-A. GRCh37 (hg19) VCF-style: chr19-41860871-G-A.
Other names: c.262C>T (NM_030578.3); short protein forms R88C.
Identifiers: ClinVar variation 1350607 (VCV001350607.12), dbSNP rs781608263, ClinGen allele CA9460293.